The following is an entry in ClinVar:

ClinVar aggregate classification (germline): Uncertain significance (1 of 4 stars; one submission).

Conditions:
Familial thoracic aortic aneurysm and aortic dissection (TAAD). Also called: Thoracic aortic aneurysms and dissections. Identifiers: Orphanet 91387, MedGen C4707243, MONDO:0019625.
Marfan syndrome (MFS). Also called: FBN1-Related Marfan Syndrome; Marfan syndrome type 1; Marfan's syndrome; Marfan syndrome, classic; MARFAN SYNDROME, TYPE I. Identifiers: Orphanet 284963, Orphanet 558, MedGen C0024796, MONDO:0007947, OMIM 154700.

Submission:

Labcorp Genetics (formerly Invitae), Labcorp
Classification: Uncertain significance for Marfan syndrome; Familial thoracic aortic aneurysm and aortic dissection. Last evaluated: 2018-10-10. Review status: criteria provided, single submitter. Criteria: Invitae Variant Classification Sherloc (09022015). Collection method: clinical testing. Allele origin: germline.
Comment: This sequence change replaces glutamine with histidine at codon 2638 of the FBN1 protein (p.Gln2638His). The glutamine residue is moderately conserved and there is a small physicochemical difference between glutamine and histidine. This variant is not present in population databases (ExAC no frequency). This variant has not been reported in the literature in individuals with FBN1-related disease. Algorithms developed to predict the effect of missense changes on protein structure and function (SIFT, PolyPhen-2, Align-GVGD) all suggest that this variant is likely to be tolerated, but these predictions have not been confirmed by published functional studies and their clinical significance is uncertain. In summary, the available evidence is currently insufficient to determine the role of this variant in disease. Therefore, it has been classified as a Variant of Uncertain Significance.

NM_000138.5(FBN1):c.7914G>T (p.Gln2638His)

Gene: FBN1 (fibrillin 1; minus strand). Cytogenetic location: 15q21.1.
Variant type: single nucleotide variant.
Coding change: c.7914G>T on transcript NM_000138.5 (MANE Select); coding-DNA position 7914, G replaced by T.
Protein change: p.Gln2638His; replaces glutamine 2638 with histidine.
Molecular consequence: missense variant.
Genome position (GRCh38, 1-based): chr15:48,415,673, C>A on the plus strand (G>T on the coding strand, the complement: FBN1 is on the minus strand). VCF-style: chr15-48415673-C-A. GRCh37 (hg19) VCF-style: chr15-48707870-C-A.
Other names: short protein forms Q2638H.
Identifiers: ClinVar variation 659764 (VCV000659764.8), dbSNP rs1597509725, ClinGen allele CA392323131.